The following is an entry in ClinVar:

ClinVar aggregate classification (germline): Conflicting classifications of pathogenicity. Review status: criteria provided, conflicting classifications (1 of 4 stars). 2 submissions from 2 submitters: Uncertain significance (1); Likely benign (1). Last evaluated 2022-06-01.

Conditions:
Atypical glycine encephalopathy. Also called: Glycine encephalopathy with normal serum glycine. Identifiers: Orphanet 289863, MedGen C4310943, MONDO:0015010, OMIM 617301.
Inborn genetic diseases. Identifiers: MedGen C0950123, MeSH D030342.

Allele frequency attached by ClinVar (database versions not stated): gnomAD exomes 0.00003 and 0.00011; TOPMed 0.00003; ExAC 0.00008.
gnomAD v4.1: 37 of 1,614,184 alleles (0.0023%); highest among the groups gnomAD compares: Admixed American, 0.05%; no homozygotes.

Submissions (2):

Labcorp Genetics (formerly Invitae), Labcorp
Classification: Uncertain significance for Atypical glycine encephalopathy. Last evaluated: 2022-06-01. Review status: criteria provided, single submitter. Criteria: Invitae Variant Classification Sherloc (09022015). Collection method: clinical testing. Allele origin: germline.
Comment: This sequence change replaces histidine, which is basic and polar, with arginine, which is basic and polar, at codon 227 of the SLC6A9 protein (p.His227Arg). This variant is present in population databases (rs201812410, gnomAD 0.08%). This variant has not been reported in the literature in individuals affected with SLC6A9-related conditions. ClinVar contains an entry for this variant (Variation ID: 848719). Algorithms developed to predict the effect of missense changes on protein structure and function output the following: SIFT: "Tolerated"; PolyPhen-2: "Benign"; Align-GVGD: "Class C0". The arginine amino acid residue is found in multiple mammalian species, which suggests that this missense change does not adversely affect protein function. In summary, the available evidence is currently insufficient to determine the role of this variant in disease. Therefore, it has been classified as a Variant of Uncertain Significance.

Ambry Genetics
Classification: Likely benign for Inborn genetic diseases. Last evaluated: 2022-04-12. Review status: criteria provided, single submitter. Criteria: Ambry Variant Classification Scheme 2023. Collection method: clinical testing. Allele origin: germline.

NM_001024845.3(SLC6A9):c.461A>G (p.His154Arg)

Gene: SLC6A9 (solute carrier family 6 member 9; minus strand). Cytogenetic location: 1p34.1.
Variant type: single nucleotide variant.
Coding change: c.461A>G on transcript NM_001024845.3 (MANE Select); coding-DNA position 461, A replaced by G.
Protein change: p.His154Arg; replaces histidine 154 with arginine.
Molecular consequence: missense variant. On other transcripts: non-coding transcript variant (1).
Genome position (GRCh38, 1-based): chr1:44,008,482, T>C on the plus strand (A>G on the coding strand, the complement: SLC6A9 is on the minus strand). VCF-style: chr1-44008482-T-C. GRCh37 (hg19) VCF-style: chr1-44474154-T-C.
Other names: c.473A>G, p.His158Arg (NM_001261380.2); c.128A>G, p.His43Arg (NM_001328626.2, NM_001328630.2); c.398A>G, p.His133Arg (NM_001328627.1); c.266A>G, p.His89Arg (NM_001328628.1); c.461A>G, p.His154Arg (NM_001328629.1); c.518A>G, p.His173Arg (NM_006934.4); c.680A>G, p.His227Arg (NM_201649.4); c.680A>G (NM_201649.2); short protein forms H158R, H173R, H133R, H154R, H43R, H89R, H227R.
Identifiers: ClinVar variation 848719 (VCV000848719.7), dbSNP rs201812410, ClinGen allele CA817796.